The following is an entry in ClinVar:

ClinVar aggregate classification (germline): Uncertain significance (1 of 4 stars; one submission).

Conditions:
Glycogen storage disease, type II (IOPD). Also called: POMPE DISEASE, INFANTILE-ONSET; GLYCOGEN STORAGE DISEASE II, INFANTILE-ONSET; ACID ALPHA-GLUCOSIDASE DEFICIENCY, INFANTILE-ONSET; GAA DEFICIENCY, INFANTILE-ONSET; ACID MALTASE DEFICIENCY, INFANTILE-ONSET; CARDIOMEGALIA GLYCOGENICA DIFFUSA. Identifiers: Orphanet 365, MedGen C0017921, MONDO:0009290, OMIM 232300.

Submission:

Labcorp Genetics (formerly Invitae), Labcorp
Classification: Uncertain significance for Glycogen storage disease, type II. Last evaluated: 2025-08-01. Review status: criteria provided, single submitter. Criteria: Invitae Variant Classification Sherloc (09022015). Collection method: clinical testing. Allele origin: germline.
Comment: This sequence change replaces proline, which is neutral and non-polar, with threonine, which is neutral and polar, at codon 39 of the GAA protein (p.Pro39Thr). This variant is not present in population databases (gnomAD no frequency). This variant has not been reported in the literature in individuals affected with GAA-related conditions. ClinVar contains an entry for this variant (Variation ID: 1058568). Invitae Evidence Modeling of protein sequence and biophysical properties (such as structural, functional, and spatial information, amino acid conservation, physicochemical variation, residue mobility, and thermodynamic stability) indicates that this missense variant is not expected to disrupt GAA protein function with a negative predictive value of 95%. In summary, the available evidence is currently insufficient to determine the role of this variant in disease. Therefore, it has been classified as a Variant of Uncertain Significance.

NM_000152.5(GAA):c.115C>A (p.Pro39Thr)

Gene: GAA (alpha glucosidase; plus strand). Cytogenetic location: 17q25.3.
Variant type: single nucleotide variant.
Coding change: c.115C>A on transcript NM_000152.5 (MANE Select); coding-DNA position 115, C replaced by A.
Protein change: p.Pro39Thr; replaces proline 39 with threonine.
Molecular consequence: missense variant.
Genome position (GRCh38, 1-based): chr17:80,104,701, C>A. VCF-style: chr17-80104701-C-A. GRCh37 (hg19) VCF-style: chr17-78078500-C-A.
Other names: c.115C>A, p.Pro39Thr (NM_001079803.3, NM_001079804.3); short protein forms P39T.
Identifiers: ClinVar variation 1058568 (VCV001058568.8), dbSNP rs759236536, ClinGen allele CA401360278.